The following is an entry in ClinVar:

ClinVar aggregate classification (germline): Uncertain significance. Review status: criteria provided, multiple submitters, no conflicts (2 of 4 stars). 2 submissions from 2 submitters: Uncertain significance (2). Last evaluated 2023-11-03.

Conditions:
Inborn genetic diseases. Identifiers: MedGen C0950123, MeSH D030342.

Allele frequency attached by ClinVar (database versions not stated): gnomAD exomes 0.00001; TOPMed 0.00002; gnomAD 0.00003.
gnomAD v4.1: 11 of 1,610,162 alleles (0.00068%); highest among the groups gnomAD compares: African/African-American, 0.0053%; no homozygotes.

Submissions (2):

Ambry Genetics
Classification: Uncertain significance for Inborn genetic diseases. Last evaluated: 2023-11-03. Review status: criteria provided, single submitter. Criteria: Ambry Variant Classification Scheme 2023. Collection method: clinical testing. Allele origin: germline.

Labcorp Genetics (formerly Invitae), Labcorp
Classification: Uncertain significance. Last evaluated: 2022-04-01. Review status: criteria provided, single submitter. Criteria: Invitae Variant Classification Sherloc (09022015). Collection method: clinical testing. Allele origin: germline.
Comment: In summary, the available evidence is currently insufficient to determine the role of this variant in disease. Therefore, it has been classified as a Variant of Uncertain Significance. Algorithms developed to predict the effect of missense changes on protein structure and function are either unavailable or do not agree on the potential impact of this missense change (SIFT: "Deleterious"; PolyPhen-2: "Benign"; Align-GVGD: "Class C0"). This variant has not been reported in the literature in individuals affected with MTHFD1-related conditions. The frequency data for this variant in the population databases is considered unreliable, as metrics indicate poor data quality at this position in the gnomAD database. This sequence change replaces arginine, which is basic and polar, with histidine, which is basic and polar, at codon 37 of the MTHFD1 protein (p.Arg37His).

NM_005956.4(MTHFD1):c.110G>A (p.Arg37His)

Gene: MTHFD1 (methylenetetrahydrofolate dehydrogenase, cyclohydrolase and formyltetrahydrofolate synthetase 1; plus strand). Cytogenetic location: 14q23.3.
Variant type: single nucleotide variant.
Coding change: c.110G>A on transcript NM_005956.4 (MANE Select); coding-DNA position 110, G replaced by A.
Protein change: p.Arg37His; replaces arginine 37 with histidine.
Molecular consequence: missense variant.
Genome position (GRCh38, 1-based): chr14:64,400,861, G>A. VCF-style: chr14-64400861-G-A. GRCh37 (hg19) VCF-style: chr14-64867579-G-A.
Other names: c.110G>A, p.Arg37His (NM_001364837.1); c.110G>A (NM_005956.3); short protein forms R37H.
Identifiers: ClinVar variation 2069550 (VCV002069550.3), dbSNP rs905506733, ClinGen allele CA261820103.